The following is an entry in ClinVar:

ClinVar aggregate classification (germline): Conflicting classifications of pathogenicity. Review status: criteria provided, conflicting classifications (1 of 4 stars). 2 submissions from 2 submitters: Uncertain significance (1); Likely benign (1). Last evaluated 2023-12-04.

Conditions:
Hereditary cancer-predisposing syndrome. Also called: Neoplastic Syndromes, Hereditary; Hereditary neoplastic syndrome; Hereditary Cancer Syndrome; Tumor predisposition. Identifiers: Orphanet 140162, MedGen C0027672, MeSH D009386, MONDO:0015356.
Familial adenomatous polyposis 2. Also called: MUTYH-related attenuated familial adenomatous polyposis; COLORECTAL ADENOMATOUS POLYPOSIS, AUTOSOMAL RECESSIVE; ADENOMAS, MULTIPLE COLORECTAL, AUTOSOMAL RECESSIVE; MYH-associated polyposis; MUTYH-associated polyposis; MUTYH Polyposis. Identifiers: Orphanet 220460, Orphanet 247798, MedGen C3272841, MONDO:0012041, OMIM 608456.

Submissions (2):

Color Diagnostics, LLC DBA Color Health
Classification: Likely benign for Hereditary cancer-predisposing syndrome. Last evaluated: 2023-12-04. Review status: criteria provided, single submitter. Criteria: ACMG Guidelines, 2015. Collection method: clinical testing. Allele origin: germline.

Labcorp Genetics (formerly Invitae), Labcorp
Classification: Uncertain significance for Familial adenomatous polyposis 2. Last evaluated: 2023-05-08. Review status: criteria provided, single submitter. Criteria: Invitae Variant Classification Sherloc (09022015). Collection method: clinical testing. Allele origin: germline.
Comment: This sequence change affects codon 472 of the MUTYH mRNA. It is a 'silent' change, meaning that it does not change the encoded amino acid sequence of the MUTYH protein. This variant is not present in population databases (gnomAD no frequency). This variant has not been reported in the literature in individuals affected with MUTYH-related conditions. Algorithms developed to predict the effect of sequence changes on RNA splicing suggest that this variant may disrupt the consensus splice site. In summary, the available evidence is currently insufficient to determine the role of this variant in disease. Therefore, it has been classified as a Variant of Uncertain Significance.

NM_001048174.2(MUTYH):c.1332T>G (p.Gly444=)

Gene: MUTYH (mutY DNA glycosylase; minus strand). Cytogenetic location: 1p34.1.
Variant type: single nucleotide variant.
Coding change: c.1332T>G on transcript NM_001048174.2 (MANE Select); coding-DNA position 1332, T replaced by G.
Protein change: p.Gly444=; no amino-acid change (glycine 444 retained).
Molecular consequence: synonymous variant. On other transcripts: non-coding transcript variant (7).
Genome position (GRCh38, 1-based): chr1:45,331,242, A>C on the plus strand (T>G on the coding strand, the complement: MUTYH is on the minus strand). VCF-style: chr1-45331242-A-C. GRCh37 (hg19) VCF-style: chr1-45796914-A-C.
Other names: c.1056T>G, p.Gly352= (NM_001293192.2, NM_001293196.2, NM_001407091.1); c.1332T>G, p.Gly444= (NM_001293195.2, NM_001407070.1, NM_001407072.1 and 6 more transcripts); c.987T>G, p.Gly329= (NM_001350650.2, NM_001350651.2, NM_001407082.1); c.1365T>G, p.Gly455= (NM_001407069.1, NM_001407077.1, NM_001293191.2); c.1335T>G, p.Gly445= (NM_001407071.1, NM_001407078.1, NM_001048172.2 and 1 more transcripts); c.1248T>G, p.Gly416= (NM_001407075.1); c.1293T>G, p.Gly431= (NM_001407079.1); c.1290T>G, p.Gly430= (NM_001407080.1); and 5 more.
Identifiers: ClinVar variation 2773678 (VCV002773678.5), dbSNP rs1477315899, ClinGen allele CA417702072.